The following is an entry in ClinVar:

NM_025207.5(FLAD1):c.811del (p.Leu271fs)

Gene: FLAD1 (flavin adenine dinucleotide synthetase 1; plus strand). Cytogenetic location: 1q21.3.
Variant type: Deletion.
Coding change: c.811del on transcript NM_025207.5 (MANE Select); coding-DNA position 811, one base deleted (C; older notation c.811delC).
Protein change: p.Leu271fs; shifts the reading frame from leucine 271.
Molecular consequence: frameshift variant.
Genome position (GRCh38, 1-based): chr1:154,988,543, C deleted. VCF-style (leftmost placement, unchanged base first): chr1-154988542-AC-A. GRCh37 (hg19) VCF-style: chr1-154961018-AC-A.
Other names: c.520del, p.Leu174fs (NM_001184891.2, NM_201398.3); c.514del, p.Leu172fs (NM_001184892.2); short protein forms L271fs, L172fs, L174fs.
Identifiers: ClinVar variation 2996191 (VCV002996191.3), dbSNP rs1242152481, ClinGen allele CA526666744.

ClinVar aggregate classification (germline): Pathogenic (1 of 4 stars; one submission).

Allele frequency attached by ClinVar (database versions not stated): gnomAD exomes 0.00001.

Submission:

Labcorp Genetics (formerly Invitae), Labcorp
Classification: Pathogenic. Last evaluated: 2024-03-04. Review status: criteria provided, single submitter. Criteria: Invitae Variant Classification Sherloc (09022015). Collection method: clinical testing. Allele origin: germline.
Comment: This sequence change creates a premature translational stop signal (p.Leu271Tyrfs*53) in the FLAD1 gene. It is expected to result in an absent or disrupted protein product. Loss-of-function variants in FLAD1 are known to be pathogenic (PMID: 27259049). This variant is present in population databases (no rsID available, gnomAD 0.0009%). This variant has not been reported in the literature in individuals affected with FLAD1-related conditions. For these reasons, this variant has been classified as Pathogenic.

Literature cited by the submitters: PubMed 27259049.